The following is an entry in ClinVar:

ClinVar aggregate classification (germline): Uncertain significance (1 of 4 stars; one submission).

Conditions:
Hereditary cancer-predisposing syndrome. Also called: Hereditary Cancer Syndrome; Hereditary neoplastic syndrome; Neoplastic Syndromes, Hereditary; Tumor predisposition. Identifiers: Orphanet 140162, MedGen C0027672, MeSH D009386, MONDO:0015356.

Submission:

Ambry Genetics
Classification: Uncertain significance for Hereditary cancer-predisposing syndrome. Last evaluated: 2025-07-11. Review status: criteria provided, single submitter. Criteria: Ambry Variant Classification Scheme 2023. Collection method: clinical testing. Allele origin: germline.
Comment: The p.T1145I variant (also known as c.3434C>T), located in coding exon 28 of the EGFR gene, results from a C to T substitution at nucleotide position 3434. The threonine at codon 1145 is replaced by isoleucine, an amino acid with similar properties. This amino acid position is conserved. In addition, this alteration is predicted to be tolerated by in silico analysis. Based on the available evidence, the clinical significance of this variant remains unclear.

NM_005228.5(EGFR):c.3434C>T (p.Thr1145Ile)

Gene: EGFR (epidermal growth factor receptor; plus strand). Cytogenetic location: 7p11.2.
Variant type: single nucleotide variant.
Coding change: c.3434C>T on transcript NM_005228.5 (MANE Select); coding-DNA position 3434, C replaced by T.
Protein change: p.Thr1145Ile; replaces threonine 1145 with isoleucine.
Molecular consequence: missense variant.
Genome position (GRCh38, 1-based): chr7:55,205,418, C>T. VCF-style: chr7-55205418-C-T. GRCh37 (hg19) VCF-style: chr7-55273111-C-T.
Other names: c.3299C>T, p.Thr1100Ile (NM_001346899.2); c.3275C>T, p.Thr1092Ile (NM_001346900.2); c.2633C>T, p.Thr878Ile (NM_001346941.2); short protein forms T878I, T1092I, T1100I, T1145I.
Identifiers: ClinVar variation 4247296 (VCV004247296.1).